The following is an entry in ClinVar:

NM_001112.4(ADARB1):c.409_411del (p.Lys137del)

Gene: ADARB1 (adenosine deaminase RNA specific B1; plus strand). Cytogenetic location: 21q22.3.
Variant type: Deletion.
Coding change: c.409_411del on transcript NM_001112.4 (MANE Select); coding-DNA positions 409 to 411, 3 bases deleted (AAG; older notation c.409_411delAAG).
Protein change: p.Lys137del; deletes lysine 137.
Molecular consequence: inframe deletion. On other transcripts: inframe indel (1), non-coding transcript variant (4).
Genome position (GRCh38, 1-based): chr21:45,176,110-45,176,112, AAG deleted; deleting any 3 consecutive bases within chr21:45,176,108-45,176,112 gives the same sequence; the c. name uses the placement nearest the transcript's 3' end. VCF-style (leftmost placement, unchanged base first): chr21-45176107-GAGA-G. GRCh37 (hg19) VCF-style: chr21-46596022-GAGA-G.
Other names: c.409_411del, p.Lys137del (NM_001160230.2, NM_001346688.2, NM_015833.4 and 1 more transcripts); c.556_558del, p.Lys186del (NM_001346687.2); c.556_558delAAG, p.Lys186del (NM_001410722.1); short protein forms K137del, K186del.
Identifiers: ClinVar variation 2431514 (VCV002431514.1), dbSNP rs2517944799, ClinGen allele CA2580098841.
Genomic context (GRCh38, chr21:45,176,107, plus strand): 5'-AATGGCCAGGTTTTTGAGGGCTCTGGTCCCACAAAGAAAAAGGCAAAACTCCATGCTGCT[GAGA>G]AGGCCTTGAGGTCTTTCGTTCAGTTTCCTAATGCCTCTGAGGCCCACCTGGCCATGGGGA-3'

ClinVar aggregate classification (germline): Uncertain significance (1 of 4 stars; one submission).

Conditions:
Neurodevelopmental disorder with hypotonia, microcephaly, and seizures (NEDHYMS). Identifiers: MedGen C5394312, MONDO:0030025, OMIM 618862.

Submission:

Laboratorio de Genetica e Diagnostico Molecular, Hospital Israelita Albert Einstein
Classification: Uncertain significance for Neurodevelopmental disorder with hypotonia, microcephaly, and seizures. Last evaluated: 2022-12-14. Review status: criteria provided, single submitter. Criteria: ACMG Guidelines, 2015. Collection method: clinical testing. Allele origin: germline. Affected: yes. Observed: 1 variant allele.
Comment: ACMG classification criteria: PM2 moderated, PM4